The following is an entry in ClinVar:

NM_005334.3(HCFC1):c.3880T>C (p.Cys1294Arg)

Gene: HCFC1 (host cell factor C1; minus strand). Cytogenetic location: Xq28.
Variant type: single nucleotide variant.
Coding change: c.3880T>C on transcript NM_005334.3 (MANE Select); coding-DNA position 3880, T replaced by C.
Protein change: p.Cys1294Arg; replaces cysteine 1294 with arginine.
Molecular consequence: missense variant.
Genome position (GRCh38, 1-based): chrX:153,954,519, A>G on the plus strand (T>C on the coding strand, the complement: HCFC1 is on the minus strand). VCF-style: chrX-153954519-A-G. GRCh37 (hg19) VCF-style: chrX-153219970-A-G.
Other names: short protein forms C1294R.
Identifiers: ClinVar variation 1477522 (VCV001477522.6), dbSNP rs2148571129, ClinGen allele CA415118917.

ClinVar aggregate classification (germline): Uncertain significance (1 of 4 stars; one submission).

Conditions:
Methylmalonic acidemia with homocystinuria, type cblX (MAHCX). Also called: INTELLECTUAL DEVELOPMENTAL DISORDER, X-LINKED 3. Identifiers: Orphanet 369962, MedGen C0796208, MONDO:0010657, OMIM 309541.

gnomAD v4.1: 8 of 1,211,174 alleles (0.00066%); highest among the groups gnomAD compares: South Asian, 0.0018%; no homozygotes.

Submission:

Labcorp Genetics (formerly Invitae), Labcorp
Classification: Uncertain significance for Methylmalonic acidemia with homocystinuria, type cblX. Last evaluated: 2024-09-10. Review status: criteria provided, single submitter. Criteria: Invitae Variant Classification Sherloc (09022015). Collection method: clinical testing. Allele origin: germline.
Comment: This sequence change replaces cysteine, which is neutral and slightly polar, with arginine, which is basic and polar, at codon 1294 of the HCFC1 protein (p.Cys1294Arg). This variant is not present in population databases (gnomAD no frequency). This variant has not been reported in the literature in individuals affected with HCFC1-related conditions. ClinVar contains an entry for this variant (Variation ID: 1477522). An algorithm developed to predict the effect of missense changes on protein structure and function (PolyPhen-2) suggests that this variant is likely to be disruptive. In summary, the available evidence is currently insufficient to determine the role of this variant in disease. Therefore, it has been classified as a Variant of Uncertain Significance.